The following is an entry in ClinVar:

NM_000158.4(GBE1):c.497G>A (p.Arg166His)

Gene: GBE1 (1,4-alpha-glucan branching enzyme 1; minus strand). Cytogenetic location: 3p12.2.
Variant type: single nucleotide variant.
Coding change: c.497G>A on transcript NM_000158.4 (MANE Select); coding-DNA position 497, G replaced by A.
Protein change: p.Arg166His; replaces arginine 166 with histidine.
Molecular consequence: missense variant.
Genome position (GRCh38, 1-based): chr3:81,649,854, C>T on the plus strand (G>A on the coding strand, the complement: GBE1 is on the minus strand). VCF-style: chr3-81649854-C-T. GRCh37 (hg19) VCF-style: chr3-81699005-C-T.
Other names: short protein forms R166H.
Identifiers: ClinVar variation 2195491 (VCV002195491.1), dbSNP rs935683673, ClinGen allele CA78292503.
Genomic context (GRCh38, chr3:81,649,854, plus strand): 5'-ACCTCATATGAGTGTTCTGGATCCCAGTGTATCCAATCATAATTCACATTATCACCTTCA[C>T]GAACCACATACTTTGCCCACGGTGAAATACGATACAAGATCTCTCCGCTTTTACTAGTAA-3'
Protein context (NP_000149.4, residues 156-176): RISPWAKYVV[Arg166His]EGDNVNYDWI

ClinVar aggregate classification (germline): Uncertain significance (1 of 4 stars; one submission).

Conditions:
Glycogen storage disease IV, classic hepatic. Also called: GSD IV, CLASSIC HEPATIC. Identifiers: MedGen C1856301.
Glycogen storage disease, type IV (GSD4). Also called: Glycogen storage disease due to glycogen branching enzyme deficiency; AMYLOPECTINOSIS; ANDERSEN DISEASE; BRANCHER DEFICIENCY; CIRRHOSIS, FAMILIAL, WITH DEPOSITION OF ABNORMAL GLYCOGEN; GBE1 DEFICIENCY. Identifiers: Orphanet 367, MedGen C0017923, MONDO:0009292, OMIM 232500.

gnomAD v4.1: 9 of 1,611,362 alleles (0.00056%); highest among the groups gnomAD compares: Admixed American, 0.0033%; no homozygotes.

Submission:

Labcorp Genetics (formerly Invitae), Labcorp
Classification: Uncertain significance for Glycogen storage disease, type IV; Glycogen storage disease IV, classic hepatic. Last evaluated: 2022-05-05. Review status: criteria provided, single submitter. Criteria: Invitae Variant Classification Sherloc (09022015). Collection method: clinical testing. Allele origin: germline.
Comment: This sequence change replaces arginine, which is basic and polar, with histidine, which is basic and polar, at codon 166 of the GBE1 protein (p.Arg166His). This variant is not present in population databases (gnomAD no frequency). This variant has not been reported in the literature in individuals affected with GBE1-related conditions. Advanced modeling of protein sequence and biophysical properties (such as structural, functional, and spatial information, amino acid conservation, physicochemical variation, residue mobility, and thermodynamic stability) performed at Invitae indicates that this missense variant is not expected to disrupt GBE1 protein function. In summary, the available evidence is currently insufficient to determine the role of this variant in disease. Therefore, it has been classified as a Variant of Uncertain Significance.